The following is an entry in ClinVar:

ClinVar aggregate classification (germline): Uncertain significance (1 of 4 stars; one submission).

Conditions:
Duchenne muscular dystrophy (DMD). Also called: MUSCULAR DYSTROPHY, PSEUDOHYPERTROPHIC PROGRESSIVE, DUCHENNE TYPE; Duchenne Muscular Dystrophy (DMD). Identifiers: Orphanet 98896, MedGen C0013264, MONDO:0010679, OMIM 310200.

Submission:

Labcorp Genetics (formerly Invitae), Labcorp
Classification: Uncertain significance for Duchenne muscular dystrophy. Last evaluated: 2025-02-12. Review status: criteria provided, single submitter. Criteria: Invitae Variant Classification Sherloc (09022015). Collection method: clinical testing. Allele origin: germline.
Comment: This sequence change falls in intron 5 of the DMD gene. It does not directly change the encoded amino acid sequence of the DMD protein. It affects a nucleotide within the consensus splice site. This variant is not present in population databases (gnomAD no frequency). This variant has not been reported in the literature in individuals affected with DMD-related conditions. Variants that disrupt the consensus splice site are a relatively common cause of aberrant splicing (PMID: 17576681, 9536098). Algorithms developed to predict the effect of sequence changes on RNA splicing suggest that this variant is not likely to affect RNA splicing. In summary, the available evidence is currently insufficient to determine the role of this variant in disease. Therefore, it has been classified as a Variant of Uncertain Significance.

Literature cited by the submitters: PubMed 17576681; PubMed 9536098.

NM_004006.3(DMD):c.357+4A>T

Gene: DMD (dystrophin; minus strand). Cytogenetic location: Xp21.1.
Variant type: single nucleotide variant.
Coding change: c.357+4A>T on transcript NM_004006.3 (MANE Select); 4 bases into the intron after coding-DNA position 357, A replaced by T.
Molecular consequence: intron variant.
Genome position (GRCh38, 1-based): chrX:32,823,291, T>A on the plus strand (A>T on the coding strand, the complement: DMD is on the minus strand). VCF-style: chrX-32823291-T-A. GRCh37 (hg19) VCF-style: chrX-32841408-T-A.
Other names: c.333+4A>T (NM_000109.4); c.345+4A>T (NM_004009.3); c.-13+4A>T (NM_004010.3).
Identifiers: ClinVar variation 4712862 (VCV004712862.1).